The following is an entry in ClinVar:

NM_014140.4(SMARCAL1):c.1212G>A (p.Ala404=)

Gene: SMARCAL1 (SNF2 related chromatin remodeling annealing helicase 1; plus strand). Cytogenetic location: 2q35.
Variant type: single nucleotide variant.
Coding change: c.1212G>A on transcript NM_014140.4 (MANE Select); coding-DNA position 1212, G replaced by A.
Protein change: p.Ala404=; no amino-acid change (alanine 404 retained).
Molecular consequence: synonymous variant.
Genome position (GRCh38, 1-based): chr2:216,428,660, G>A. VCF-style: chr2-216428660-G-A. GRCh37 (hg19) VCF-style: chr2-217293383-G-A.
Other names: c.1212G>A, p.Ala404= (NM_001127207.2).
Identifiers: ClinVar variation 532009 (VCV000532009.42), dbSNP rs2066525, ClinGen allele CA2097817.

ClinVar aggregate classification (germline): Benign/Likely benign. Review status: criteria provided, multiple submitters, no conflicts (2 of 4 stars). 6 submissions from 6 submitters: Benign (2); Likely benign (3). 1 of the submissions does not count toward it. Last evaluated 2026-09-01.

Conditions:
SMARCAL1-related disorder. Also called: SMARCAL1-related condition.
Schimke immuno-osseous dysplasia (SIOD). Also called: Schimke Immunoosseous Dysplasia. Identifiers: Orphanet 1830, MedGen C0877024, MONDO:0009458, OMIM 242900.

Allele frequency attached by ClinVar (database versions not stated): gnomAD exomes 0.00034 and 0.00075; ExAC 0.00091; 1000 Genomes Project 0.00220; gnomAD 0.00226 and 0.00241; 1000 Genomes Project 30x 0.00234; TOPMed 0.00264; ESP Exome Variant Server 0.00292.
gnomAD v4.1: 843 of 1,614,174 alleles (0.052%); highest among the groups gnomAD compares: African/African-American, 0.81%; 2 homozygotes.

Submissions (6):

CeGaT Center for Human Genetics Tuebingen
Classification: Likely benign. Last evaluated: 2026-09-01. Review status: criteria provided, single submitter. Criteria: CeGaT Center For Human Genetics Tuebingen Variant Classification Criteria Version 2. Collection method: clinical testing. Allele origin: germline. Affected: yes. Observed: 3 variant alleles.
Comment: SMARCAL1: BP4, BP7

Labcorp Genetics (formerly Invitae), Labcorp
Classification: Benign for Schimke immuno-osseous dysplasia. Last evaluated: 2026-01-31. Review status: criteria provided, single submitter. Criteria: Invitae Variant Classification Sherloc (09022015). Collection method: clinical testing. Allele origin: germline.

Blueprint Genetics
Classification: Likely benign. Last evaluated: 2024-09-10. Review status: criteria provided, single submitter. Criteria: ACMG Guidelines, 2015. Collection method: clinical testing. Allele origin: germline.

Fulgent Genetics
Classification: Benign for Schimke immuno-osseous dysplasia. Last evaluated: 2021-07-26. Review status: criteria provided, single submitter. Criteria: ACMG Guidelines, 2015. Collection method: clinical testing. Allele origin: unknown.

Illumina Laboratory Services, Illumina
Classification: Likely benign for Schimke immuno-osseous dysplasia. Last evaluated: 2018-01-13. Review status: criteria provided, single submitter. Criteria: ICSL Variant Classification Criteria 13 December 2019. Collection method: clinical testing. Allele origin: germline.
Comment: This variant was observed in the ICSL laboratory as part of a predisposition screen in an ostensibly healthy population. It had not been previously curated by ICSL or reported in the Human Gene Mutation Database (HGMD: prior to June 1st, 2018), and was therefore a candidate for classification through an automated scoring system. Utilizing variant allele frequency, disease prevalence and penetrance estimates, and inheritance mode, an automated score was calculated to assess if this variant is too frequent to cause the disease. Based on the score and internal cut-off values, a variant classified as likely benign is not then subjected to further curation. The score for this variant resulted in a classification of likely benign for this disease.

PreventionGenetics, part of Exact Sciences
Classification: Likely benign for SMARCAL1-related condition. Last evaluated: 2020-02-11. Review status: no assertion criteria provided. Collection method: clinical testing. Allele origin: germline. Not counted in ClinVar's aggregate classification.
Comment: This variant is classified as likely benign based on ACMG/AMP sequence variant interpretation guidelines (Richards et al. 2015 PMID: 25741868, with internal and published modifications).